The following is an entry in ClinVar:

ClinVar aggregate classification (germline): Uncertain significance. Review status: criteria provided, multiple submitters, no conflicts (2 of 4 stars). 4 submissions from 4 submitters: Uncertain significance (3). 1 of the submissions does not count toward it. Last evaluated 2025-03-27.

Conditions:
Inborn genetic diseases. Identifiers: MedGen C0950123, MeSH D030342.
Fanconi anemia (FA). Also called: Fanconi's anemia. Identifiers: Orphanet 84, MedGen C0015625, MeSH D005199, MONDO:0019391.
Fanconi anemia complementation group A (FANCA). Also called: Fanconi anemia, group A; FANCA-Related Fanconi Anemia. Identifiers: Orphanet 84, MedGen C3469521, MONDO:0009215, OMIM 227650.

Allele frequency attached by ClinVar (database versions not stated): ExAC 0.00017.
gnomAD v4.1: 17 of 1,526,800 alleles (0.0011%); highest among the groups gnomAD compares: South Asian, 0.017%; no homozygotes.

Submissions (4):

Ambry Genetics
Classification: Uncertain significance for Inborn genetic diseases. Last evaluated: 2025-03-27. Review status: criteria provided, single submitter. Criteria: Ambry Variant Classification Scheme 2023. Collection method: clinical testing. Allele origin: germline.
Comment: The p.P7Q variant (also known as c.20C>A), located in coding exon 1 of the FANCA gene, results from a C to A substitution at nucleotide position 20. The proline at codon 7 is replaced by glutamine, an amino acid with similar properties. This amino acid position is conserved. In addition, this alteration is predicted to be tolerated by in silico analysis. Based on the available evidence, the clinical significance of this variant remains unclear.

Labcorp Genetics (formerly Invitae), Labcorp
Classification: Uncertain significance for Fanconi anemia. Last evaluated: 2022-05-20. Review status: criteria provided, single submitter. Criteria: Invitae Variant Classification Sherloc (09022015). Collection method: clinical testing. Allele origin: germline.
Comment: This sequence change replaces proline, which is neutral and non-polar, with glutamine, which is neutral and polar, at codon 7 of the FANCA protein (p.Pro7Gln). The frequency data for this variant in the population databases is considered unreliable, as metrics indicate poor data quality at this position in the gnomAD database. This variant has not been reported in the literature in individuals affected with FANCA-related conditions. ClinVar contains an entry for this variant (Variation ID: 1049198). Advanced modeling of protein sequence and biophysical properties (such as structural, functional, and spatial information, amino acid conservation, physicochemical variation, residue mobility, and thermodynamic stability) performed at Invitae indicates that this missense variant is not expected to disrupt FANCA protein function. Algorithms developed to predict the effect of sequence changes on RNA splicing suggest that this variant may create or strengthen a splice site. In summary, the available evidence is currently insufficient to determine the role of this variant in disease. Therefore, it has been classified as a Variant of Uncertain Significance.

Fulgent Genetics
Classification: Uncertain significance for Fanconi anemia complementation group A. Last evaluated: 2022-04-06. Review status: criteria provided, single submitter. Criteria: ACMG Guidelines, 2015. Collection method: clinical testing. Allele origin: unknown.

Department of Pathology and Laboratory Medicine, Sinai Health System
Classification: Uncertain significance. Review status: no assertion criteria provided. Collection method: clinical testing. Allele origin: unknown. Affected: yes. Study: The Canadian Open Genetics Repository (COGR). Not counted in ClinVar's aggregate classification.
Comment: The FANCA p.Pro7Gln variant was not identified in the literature nor was it identified in the ClinVar, Cosmic, MutDB or LOVD 3.0 databases. The variant was identified in dbSNP (ID: rs772712346). The variant was identified in control databases in 3 of 154722 chromosomes at a frequency of 0.000019 (Genome Aggregation Database Feb 27, 2017). The variant was observed in the following populations: Other in 1 of 4770 chromosomes (freq: 0.00021) and South Asian in 2 of 21316 chromosomes (freq: 0.000094), but not in the African, Latino, Ashkenazi Jewish, East Asian, European (Finnish) and European (non-Finnish) populations. The p.Pro7 residue is not conserved in mammals and computational analyses (PolyPhen-2, SIFT, AlignGVGD, MutationTaster) do not suggest a high likelihood of impact to the protein; however, this information is not predictive enough to rule out pathogenicity. In summary, based on the above information the clinical significance of this variant cannot be determined with certainty at this time. This variant is classified as a variant of uncertain significance.

NM_000135.4(FANCA):c.20C>A (p.Pro7Gln)

Genes: FANCA (FA complementation group A; minus strand), LOC112486223 (Sharpr-MPRA regulatory region 3988; plus strand). Cytogenetic location: 16q24.3.
Variant type: single nucleotide variant.
Coding change: c.20C>A on transcript NM_000135.4 (MANE Select); coding-DNA position 20, C replaced by A.
Protein change: p.Pro7Gln; replaces proline 7 with glutamine.
Molecular consequence: missense variant.
Genome position (GRCh38, 1-based): chr16:89,816,596, G>T on the plus strand (C>A on the coding strand, the complement: FANCA is on the minus strand). VCF-style: chr16-89816596-G-T. GRCh37 (hg19) VCF-style: chr16-89883004-G-T.
Other names: c.20C>A, p.Pro7Gln (NM_001018112.3, NM_001286167.3, NM_001351830.2); c.20C>A (NM_000135.2); short protein forms P7Q.
Identifiers: ClinVar variation 1049198 (VCV001049198.5), dbSNP rs772712346, ClinGen allele CA8253277.